The following is an entry in ClinVar:

NM_000481.4(AMT):c.281G>A (p.Arg94Gln)

Gene: AMT (aminomethyltransferase; minus strand). Cytogenetic location: 3p21.31.
Variant type: single nucleotide variant.
Coding change: c.281G>A on transcript NM_000481.4 (MANE Select); coding-DNA position 281, G replaced by A.
Protein change: p.Arg94Gln; replaces arginine 94 with glutamine.
Molecular consequence: missense variant. On other transcripts: non-coding transcript variant (1).
Genome position (GRCh38, 1-based): chr3:49,421,550, C>T on the plus strand (G>A on the coding strand, the complement: AMT is on the minus strand). VCF-style: chr3-49421550-C-T. GRCh37 (hg19) VCF-style: chr3-49458983-C-T.
Other names: c.281G>A, p.Arg94Gln (NM_001164710.2, NM_001164712.2); c.113G>A, p.Arg38Gln (NM_001164711.2); short protein forms R38Q, R94Q.
Identifiers: ClinVar variation 2040004 (VCV002040004.12), dbSNP rs368129012, ClinGen allele CA2398414.

ClinVar aggregate classification (germline): Conflicting classifications of pathogenicity. Review status: criteria provided, conflicting classifications (1 of 4 stars). 9 submissions from 9 submitters: Likely pathogenic (5); Uncertain significance (3). 1 of the submissions does not count toward it. Last evaluated 2026-07-28.

Conditions:
AMT-related disorder. Also called: AMT-related condition.
Glycine encephalopathy 2 (GCE2). Identifiers: MedGen C5830559, MONDO:0958192, OMIM 620398.
Glycine encephalopathy. Also called: Non-ketotic hyperglycinemia; Nonketotic hyperglycinemia. Identifiers: Orphanet 407, MedGen C0751748, MONDO:0011612, HP:0008288.

Allele frequency attached by ClinVar (database versions not stated): TOPMed 0.00003; ExAC 0.00007; gnomAD 0.00007; ESP Exome Variant Server 0.00008.
gnomAD v4.1: 66 of 1,614,184 alleles (0.0041%); highest among the groups gnomAD compares: South Asian, 0.034%; no homozygotes.

Submissions (9):

Myriad Genetics, Inc.
Classification: Uncertain significance for Glycine encephalopathy 2. Last evaluated: 2026-07-28. Review status: criteria provided, single submitter. Criteria: Myriad Autosomal Dominant, Autosomal Recessive and X-Linked Classification Criteria (2023). Collection method: clinical testing. Allele origin: unknown.
Comment: NM_000481.3(AMT):c.281G>A(R94Q) is a missense variant classified as a variant of uncertain significance in the context of glycine encephalopathy, AMT-related. R94Q has not been observed in cases with relevant disease. Relevant functional assessments of this variant are not available in the literature. R94Q has been observed in referenced population frequency databases. In summary, there is insufficient evidence to classify NM_000481.3(AMT):c.281G>A(R94Q) as pathogenic or benign. Please note: this variant was assessed in the context of healthy population screening.

Labcorp Genetics (formerly Invitae), Labcorp
Classification: Likely pathogenic for Glycine encephalopathy. Last evaluated: 2026-01-25. Review status: criteria provided, single submitter. Criteria: Invitae Variant Classification Sherloc (09022015). Collection method: clinical testing. Allele origin: germline.
Comment: This sequence change replaces arginine, which is basic and polar, with glutamine, which is neutral and polar, at codon 94 of the AMT protein (p.Arg94Gln). This variant is present in population databases (rs368129012, gnomAD 0.02%). This variant has not been reported in the literature in individuals affected with AMT-related conditions. ClinVar contains an entry for this variant (Variation ID: 2040004). Invitae Evidence Modeling of protein sequence and biophysical properties (such as structural, functional, and spatial information, amino acid conservation, physicochemical variation, residue mobility, and thermodynamic stability) indicates that this missense variant is expected to disrupt AMT protein function with a positive predictive value of 95%. This variant disrupts the p.Arg94 amino acid residue in AMT. Other variant(s) that disrupt this residue have been determined to be pathogenic (PMID: 26179960, 27362913, 28244183). This suggests that this residue is clinically significant, and that variants that disrupt this residue are likely to be disease-causing. In summary, the currently available evidence indicates that the variant is pathogenic, but additional data are needed to prove that conclusively. Therefore, this variant has been classified as Likely Pathogenic.

3billion
Classification: Likely pathogenic for Glycine encephalopathy 2. Last evaluated: 2026-01-21. Review status: criteria provided, single submitter. Criteria: ACMG Guidelines, 2015. Collection method: clinical testing. Allele origin: germline. Affected: yes.
Comment: The variant is observed at an extremely low frequency in the gnomAD v4.1.0 dataset (total allele frequency: 0.004%). Predicted Consequence/Location: Missense variant In silico tool predictions suggest damaging effect of the variant on gene or gene product [REVEL: 0.64 (>=0.6, sensitivity 0.68 and specificity 0.92)]. The same nucleotide change resulting in the same amino acid change has been previously reported to be associated with AMT-related disorder (ClinVar ID: VCV002040004). A different missense change at the same codon (p.Arg94Trp) has been reported as pathogenic/likely pathogenic with strong evidence (ClinVar ID: VCV000557814 /PMID: 26179960). Therefore, this variant is classified as Likely pathogenic according to the recommendation of ACMG/AMP guideline.

First Genomix Gene Laboratory, Genetic Diagnostics Department
Classification: Likely pathogenic for Glycine encephalopathy 2. Last evaluated: 2025-07-18. Review status: criteria provided, single submitter. Criteria: ACMG Guidelines, 2015. Collection method: clinical testing. Allele origin: germline. Inheritance: Autosomal recessive inheritance. Affected: no. Observed: 1 variant allele.

Blueprint Genetics
Classification: Uncertain significance. Last evaluated: 2024-10-07. Review status: criteria provided, single submitter. Criteria: ACMG Guidelines, 2015. Collection method: clinical testing. Allele origin: germline.

Revvity Omics, Revvity
Classification: Uncertain significance for Glycine encephalopathy 2. Last evaluated: 2024-10-01. Review status: criteria provided, single submitter. Criteria: ACMG Guidelines, 2015. Collection method: clinical testing. Allele origin: germline.

Kariminejad - Najmabadi Pathology & Genetics Center
Classification: Likely pathogenic for Glycine encephalopathy 2. Review status: criteria provided, single submitter. Criteria: ACMG Guidelines, 2015. Collection method: clinical testing. Allele origin: germline. Affected: no.

Neuberg Centre For Genomic Medicine, NCGM
Classification: Likely pathogenic for Glycine encephalopathy 2. Review status: criteria provided, single submitter. Criteria: ACMG Guidelines, 2015. Collection method: clinical testing. Allele origin: germline. Inheritance: Autosomal recessive inheritance. Affected: yes.

PreventionGenetics, part of Exact Sciences
Classification: Uncertain significance for AMT-related condition. Last evaluated: 2023-12-04. Review status: no assertion criteria provided. Collection method: clinical testing. Allele origin: germline. Not counted in ClinVar's aggregate classification.
Comment: The AMT c.281G>A variant is predicted to result in the amino acid substitution p.Arg94Gln. To our knowledge, this variant has not been reported in the literature. This variant is reported in 0.018% of alleles in individuals of African descent in gnomAD. A different missense variant impacting the same residue (p.Arg94Trp) has been reported in the compound heterozygous and homozygous state in an individual presenting with nonketotic hyperglycinemia (Subject 108, Swanson et al. 2015. PubMed ID: 26179960; Subjects D142 & D157, Supplementary Table S1, Coughlin et al. 2017. PubMed ID: 27362913; P16, Table 1, Bravo-Alonso et al. 2017. PubMed ID: 28244183). Although we suspect that this variant may be pathogenic, at this time, the clinical significance of this variant is uncertain due to the absence of conclusive functional and genetic evidence.

Literature cited by the submitters: PubMed 26179960 (cited by Labcorp Genetics (formerly Invitae), Labcorp and 3billion); PubMed 27362913 (cited by Labcorp Genetics (formerly Invitae), Labcorp); PubMed 28244183 (cited by Labcorp Genetics (formerly Invitae), Labcorp).